The following is an entry in ClinVar:

NM_013336.4(SEC61A1):c.574G>T (p.Val192Leu)

Gene: SEC61A1 (SEC61 translocon subunit alpha 1; plus strand). Cytogenetic location: 3q21.3.
Variant type: single nucleotide variant.
Coding change: c.574G>T on transcript NM_013336.4 (MANE Select); coding-DNA position 574, G replaced by T.
Protein change: p.Val192Leu; replaces valine 192 with leucine.
Molecular consequence: missense variant.
Genome position (GRCh38, 1-based): chr3:128,060,619, G>T. VCF-style: chr3-128060619-G-T. GRCh37 (hg19) VCF-style: chr3-127779462-G-T.
Other names: c.592G>T, p.Val198Leu (NM_001400328.1); c.415G>T, p.Val139Leu (NM_001400329.1); short protein forms V139L, V192L, V198L.
Identifiers: ClinVar variation 3257410 (VCV003257410.17).

ClinVar aggregate classification (germline): Uncertain significance (1 of 4 stars; one submission).

gnomAD v4.1: 3 of 1,614,138 alleles (0.00019%); highest among the groups gnomAD compares: Non-Finnish European, 0.00025%; no homozygotes.

Submission:

CeGaT Center for Human Genetics Tuebingen
Classification: Uncertain significance. Last evaluated: 2024-07-01. Review status: criteria provided, single submitter. Criteria: CeGaT Center For Human Genetics Tuebingen Variant Classification Criteria Version 2. Collection method: clinical testing. Allele origin: germline. Affected: yes. Observed: 1 variant allele.
Comment: SEC61A1: PM2, PP2